The following is an entry in ClinVar:

NM_139119.3(YY1AP1):c.-151-43T>A

Genes: DAP3 (death associated protein 3; plus strand), YY1AP1 (YY1 associated protein 1; minus strand). Cytogenetic location: 1q22.
Variant type: single nucleotide variant.
Coding change: c.-151-43T>A on transcript NM_139119.3 (MANE Select); 43 bases into the intron before 151 bases upstream of the start codon, T replaced by A.
Molecular consequence: intron variant. On other transcripts: nonsense (2).
Genome position (GRCh38, 1-based): chr1:155,688,244, A>T on the plus strand (T>A on the coding strand, the complement: YY1AP1 is on the minus strand). VCF-style: chr1-155688244-A-T. GRCh37 (hg19) VCF-style: chr1-155658035-A-T.
Other names: c.221T>A, p.Leu74Ter (NM_001198903.1, NM_001198904.1); c.-21+686T>A (NM_001198901.2); c.-375+686T>A (NM_139121.3); c.48-43T>A (NM_139118.3, NM_001198906.2); c.-21+415T>A (NM_001198902.2); c.-143-43T>A (NM_001198900.2); c.-151-43T>A (NM_001198905.2); c.-265-43T>A (NM_018253.4); short protein forms L74*.
Identifiers: ClinVar variation 2066821 (VCV002066821.2), dbSNP rs758007166, ClinGen allele CA1149027.

ClinVar aggregate classification (germline): Conflicting classifications of pathogenicity. Review status: criteria provided, conflicting classifications (1 of 4 stars). 2 submissions from 2 submitters: Pathogenic (1); Uncertain significance (1). Last evaluated 2026-06-24.

Conditions:
Grange syndrome (GRNG). Also called: GRANGE OCCLUSIVE ARTERIAL SYNDROME. Identifiers: Orphanet 79094, MedGen C1865267, MONDO:0011243, OMIM 602531.

Allele frequency attached by ClinVar (database versions not stated): ExAC 0.00009; gnomAD 0.00007; gnomAD exomes 0.00003; TOPMed 0.00009.
gnomAD v4.1: 48 of 1,610,092 alleles (0.003%); highest among the groups gnomAD compares: East Asian, 0.11%; no homozygotes.

Submissions (2):

Victorian Clinical Genetics Services, Murdoch Childrens Research Institute
Classification: Uncertain significance for Grange syndrome. Last evaluated: 2026-06-24. Review status: criteria provided, single submitter. Criteria: ACMG Guidelines, 2015. Collection method: clinical testing. Allele origin: germline. Affected: yes.
Comment: This variant is classified as VUS-3A. Evidence in support of pathogenic classification: Variant is predicted to cause nonsense-mediated decay (NMD) and loss of protein (premature termination codon is located at least 54 nucleotides upstream of the final exon-exon junction); Variant is present in gnomAD <0.01 for a recessive condition (v4: 48 heterozygote(s), 0 homozygote(s)); This variant has limited previous evidence of pathogenicity in an unrelated individual(s). It has been classified as pathogenic by a clinical laboratory (ClinVar); Another NMD-predicted comparable variant to the one identified in this case has limited previous evidence for pathogenicity. One comparable NMD-predicted variant exclusive to this transcript (NM_001198903.1:c.106G>T(p.Glu36Ter)) has been classified as likely pathogenic by a clinical laboratory (ClinVar). Additional information: This variant is non-coding in an alternative transcript. It is coding in the longest isoform NM_001198903.1 and NM_001198904.1; however, it is non-coding in all other RefSeq transcripts, including the MANE Select transcript NM_139119.3. In addition, isoform expression studies suggest that NM_139118.3 is the major isoform expressed in human aortic smooth muscle cells and aortic tissue, in which this variant is deep intronic (PMID: 27939641); This variant is heterozygous; This gene is associated with autosomal recessive disease; No published evidence of segregation with disease has been identified for this variant; No published functional evidence has been identified for this variant; Loss of function is a known mechanism of disease in this gene and is associated with Grange syndrome (MIM#602531); Parental origin of the variant is unresolved.

Labcorp Genetics (formerly Invitae), Labcorp
Classification: Pathogenic. Last evaluated: 2017-11-25. Review status: criteria provided, single submitter. Criteria: Invitae Variant Classification Sherloc (09022015). Collection method: clinical testing. Allele origin: germline.
Comment: This sequence change creates a premature translational stop signal (p.Leu74*) in the YY1AP1 gene. It is expected to result in an absent or disrupted protein product. This variant is present in population databases (rs758007166, ExAC 0.1%). This variant has not been reported in the literature in individuals with YY1AP1-related disease. Loss-of-function variants in YY1AP1 are known to be pathogenic (PMID: 27939641). For these reasons, this variant has been classified as Pathogenic.

Literature cited by the submitters: PubMed 27939641 (cited by Victorian Clinical Genetics Services, Murdoch Childrens Research Institute and Labcorp Genetics (formerly Invitae), Labcorp).